The following is an entry in ClinVar:

NM_002691.4(POLD1):c.1290C>T (p.Asn430=)

Gene: POLD1 (DNA polymerase delta 1, catalytic subunit; plus strand). Cytogenetic location: 19q13.33.
Variant type: single nucleotide variant.
Coding change: c.1290C>T on transcript NM_002691.4 (MANE Select); coding-DNA position 1290, C replaced by T.
Protein change: p.Asn430=; no amino-acid change (asparagine 430 retained).
Molecular consequence: synonymous variant. On other transcripts: non-coding transcript variant (1).
Genome position (GRCh38, 1-based): chr19:50,406,229, C>T. VCF-style: chr19-50406229-C-T. GRCh37 (hg19) VCF-style: chr19-50909486-C-T.
Other names: c.1290C>T, p.Asn430= (NM_001256849.1, NM_001308632.1).
Identifiers: ClinVar variation 414739 (VCV000414739.13), dbSNP rs1060504348, ClinGen allele CA16616134.

ClinVar aggregate classification (germline): Benign/Likely benign. Review status: criteria provided, multiple submitters, no conflicts (2 of 4 stars). 3 submissions from 3 submitters: Benign (1); Likely benign (2). Last evaluated 2025-12-22.

Conditions:
Hereditary cancer-predisposing syndrome. Also called: Neoplastic Syndromes, Hereditary; Hereditary neoplastic syndrome; Hereditary Cancer Syndrome; Tumor predisposition. Identifiers: Orphanet 140162, MedGen C0027672, MeSH D009386, MONDO:0015356.
POLD1-related polyposis and colorectal cancer syndrome (CRCS10). Also called: Colorectal cancer, susceptibility to, 10; Colorectal cancer 10; COLORECTAL CANCER, SUSCEPTIBILITY TO, ON CHROMOSOME 19q. Identifiers: Orphanet 220460, MedGen C2675481, MONDO:0012953, OMIM 612591.

Allele frequency attached by ClinVar (database versions not stated): gnomAD exomes below 0.00001 and 0.00001; gnomAD 0.00001; TOPMed 0.00001.
gnomAD v4.1: 5 of 1,613,888 alleles (0.00031%); highest among the groups gnomAD compares: African/African-American, 0.0013%; no homozygotes.

Submissions (3):

Labcorp Genetics (formerly Invitae), Labcorp
Classification: Likely benign for POLD1-related polyposis and colorectal cancer syndrome. Last evaluated: 2025-12-22. Review status: criteria provided, single submitter. Criteria: Invitae Variant Classification Sherloc (09022015). Collection method: clinical testing. Allele origin: germline.

Myriad Genetics, Inc.
Classification: Benign for POLD1-related polyposis and colorectal cancer syndrome. Last evaluated: 2025-02-06. Review status: criteria provided, single submitter. Criteria: Myriad Autosomal Dominant, Autosomal Recessive and X-Linked Classification Criteria (2023). Collection method: clinical testing. Allele origin: unknown.
Comment: This variant is considered benign. This variant is a silent/synonymous amino acid change and it is not expected to impact splicing.

Ambry Genetics
Classification: Likely benign for Hereditary cancer-predisposing syndrome. Last evaluated: 2022-02-22. Review status: criteria provided, single submitter. Criteria: Ambry Variant Classification Scheme 2023. Collection method: clinical testing. Allele origin: germline.